The following is an entry in ClinVar:

ClinVar aggregate classification (germline): Uncertain significance. Review status: criteria provided, multiple submitters, no conflicts (2 of 4 stars). 3 submissions from 3 submitters: Uncertain significance (3). Last evaluated 2025-12-08.

Conditions:
Hereditary cancer-predisposing syndrome. Also called: Neoplastic Syndromes, Hereditary; Hereditary Cancer Syndrome; Hereditary neoplastic syndrome; Tumor predisposition. Identifiers: Orphanet 140162, MedGen C0027672, MeSH D009386, MONDO:0015356.
Pheochromocytoma/paraganglioma syndrome 4. Also called: CAROTID BODY TUMORS AND MULTIPLE EXTRAADRENAL PHEOCHROMOCYTOMAS; SDHB-Related Hereditary Paraganglioma-Pheochromocytoma Syndrome; Paragangliomas 4; SDHB-Related Hereditary Paraganglioma-Pheochromocytoma Syndrome (Paragangliomas 4); PARAGANGLIOMA, FAMILIAL MALIGNANT; PARAGANGLIOMAS, HEREDITARY EXTRAADRENAL. Identifiers: Orphanet 29072, MedGen C1861848, MONDO:0007273, OMIM 115310.
Gastrointestinal stromal tumor. Also called: Gastrointestinal stromal tumor, somatic; Gastrointestinal stroma tumor. Identifiers: Orphanet 44890, MedGen C0238198, MeSH D046152, MONDO:0011719, OMIM 606764, HP:0100723.
Pheochromocytoma. Also called: MAX-Related Hereditary Paraganglioma-Pheochromocytoma Syndrome. Identifiers: Orphanet 29072, MedGen C0031511, MONDO:0008233, OMIM 171300, HP:0002666.
Hereditary pheochromocytoma and paraganglioma. Also called: Hereditary Paraganglioma-Pheochromocytoma Syndromes; Hereditary pheochromocytoma-paraganglioma; Hereditary paragangliomas and pheochromocytomas. Identifiers: Orphanet 29072, MedGen C4274332, MONDO:0017366.

Allele frequency attached by ClinVar (database versions not stated): gnomAD exomes below 0.00001; TOPMed below 0.00001.

Submissions (3):

Labcorp Genetics (formerly Invitae), Labcorp
Classification: Uncertain significance for Gastrointestinal stromal tumor; Pheochromocytoma/paraganglioma syndrome 4; Pheochromocytoma. Last evaluated: 2025-12-08. Review status: criteria provided, single submitter. Criteria: Invitae Variant Classification Sherloc (09022015). Collection method: clinical testing. Allele origin: germline.
Comment: This sequence change replaces threonine, which is neutral and polar, with serine, which is neutral and polar, at codon 110 of the SDHB protein (p.Thr110Ser). This variant is present in population databases (no rsID available, gnomAD 0.006%). This variant has not been reported in the literature in individuals affected with SDHB-related conditions. ClinVar contains an entry for this variant (Variation ID: 1005370). Invitae Evidence Modeling of protein sequence and biophysical properties (such as structural, functional, and spatial information, amino acid conservation, physicochemical variation, residue mobility, and thermodynamic stability) indicates that this missense variant is not expected to disrupt SDHB protein function with a negative predictive value of 80%. In summary, the available evidence is currently insufficient to determine the role of this variant in disease. Therefore, it has been classified as a Variant of Uncertain Significance.

Ambry Genetics
Classification: Uncertain significance for Hereditary cancer-predisposing syndrome. Last evaluated: 2024-06-26. Review status: criteria provided, single submitter. Criteria: Ambry Variant Classification Scheme 2023. Collection method: clinical testing. Allele origin: germline.
Comment: The p.T110S variant (also known as c.328A>T), located in coding exon 4 of the SDHB gene, results from an A to T substitution at nucleotide position 328. The threonine at codon 110 is replaced by serine, an amino acid with similar properties. This amino acid position is highly conserved in available vertebrate species. In addition, the in silico prediction for this alteration is inconclusive. Based on the available evidence, the clinical significance of this variant remains unclear.

All of Us Research Program, National Institutes of Health
Classification: Uncertain significance for Hereditary pheochromocytoma and paraganglioma. Last evaluated: 2023-12-13. Review status: criteria provided, single submitter. Criteria: ACMG Guidelines, 2015. Collection method: clinical testing. Allele origin: germline. Inheritance: Autosomal dominant inheritance. Observed: 1 variant allele, 1 heterozygote.
Comment: This missense variant replaces threonine with serine at codon 110 of the SDHB protein. Computational prediction suggests that this variant may have deleterious impact on protein structure and function (internally defined REVEL score threshold >= 0.7, PMID: 27666373). To our knowledge, functional studies have not been reported for this variant. This variant has not been reported in individuals affected with SDHB-related disorders in the literature. This variant has been identified in 1/251470 chromosomes in the general population by the Genome Aggregation Database (gnomAD). The available evidence is insufficient to determine the role of this variant in disease conclusively. Therefore, this variant is classified as a Variant of Uncertain Significance.

This study involves interpretation of variants in research participants for the purpose of population health screening. Participant phenotype was not available at the time of variant classification. Additional details can be found in publication PMID: 35346344, PMCID: PMC8962531

NM_003000.3(SDHB):c.328A>T (p.Thr110Ser)

Gene: SDHB (succinate dehydrogenase complex iron sulfur subunit B; minus strand). Cytogenetic location: 1p36.13.
Variant type: single nucleotide variant.
Coding change: c.328A>T on transcript NM_003000.3 (MANE Select); coding-DNA position 328, A replaced by T.
Protein change: p.Thr110Ser; replaces threonine 110 with serine.
Molecular consequence: missense variant.
Genome position (GRCh38, 1-based): chr1:17,028,695, T>A on the plus strand (A>T on the coding strand, the complement: SDHB is on the minus strand). VCF-style: chr1-17028695-T-A. GRCh37 (hg19) VCF-style: chr1-17355190-T-A.
Other names: short protein forms T110S.
Identifiers: ClinVar variation 1005370 (VCV001005370.9), dbSNP rs1407350591, ClinGen allele CA338274868.
Genomic context (GRCh38, chr1:17,028,695, plus strand): 5'-GAGGGTAGATTTTTGAGACCTTATTGAGGTTGGTGTCAATCCTTCGGGTGCAAGCTAGAG[T>A]GTTGCCTCCATTGATGTTCATTGCACAAGAGCCACAGATGCCTGAAAGAGACACACATTT-3'
Protein context (NP_002991.2, residues 100-120): SCAMNINGGN[Thr110Ser]LACTRRIDTN